The following is an entry in ClinVar:

NM_000271.5(NPC1):c.3349dup (p.Leu1117fs)

Gene: NPC1 (NPC intracellular cholesterol transporter 1; minus strand). Cytogenetic location: 18q11.2.
Variant type: Duplication.
Coding change: c.3349dup on transcript NM_000271.5 (MANE Select); coding-DNA position 3349, one base duplicated (C; older notation c.3349dupC).
Protein change: p.Leu1117fs; shifts the reading frame from leucine 1117.
Molecular consequence: frameshift variant.
Genome position (GRCh38, 1-based): chr18:23,535,597, G duplicated on the plus strand (C on the coding strand, the reverse complement: NPC1 is on the minus strand); the first of 2 consecutive G bases (chr18:23,535,597-23,535,598); duplicating either gives the same sequence. VCF-style (leftmost placement, unchanged base first): chr18-23535596-A-AG. GRCh37 (hg19) VCF-style: chr18-21115560-A-AG.
Other names: short protein forms L1117fs.
Identifiers: ClinVar variation 1331427 (VCV001331427.1), dbSNP rs2145350930, ClinGen allele CA2573054631.

ClinVar aggregate classification (germline): Pathogenic (1 of 4 stars; one submission).

Conditions:
Niemann-Pick disease, type C (NPC). Identifiers: Orphanet 646, MedGen C0220756, MONDO:0018982.

Submission:

Women's Health and Genetics/Laboratory Corporation of America, LabCorp
Classification: Pathogenic for Niemann-Pick disease, type C. Last evaluated: 2021-12-16. Review status: criteria provided, single submitter. Criteria: LabCorp Variant Classification Summary - May 2015. Collection method: clinical testing. Allele origin: germline.
Comment: Variant summary: NPC1 c.3349dupC (p.Leu1117ProfsX4) results in a premature termination codon, predicted to cause a truncation of the encoded protein or absence of the protein due to nonsense mediated decay, which are commonly known mechanisms for disease. Truncations downstream of this position have been classified as pathogenic by our laboratory. The variant was absent in 251450 control chromosomes. c.3349dupC has been reported in the literature as a compound heterozygous genotype in at-least two siblings affected with Niemann-Pick Disease Type C (example, Macias-Vidal_2011). To our knowledge, no experimental evidence demonstrating an impact on protein function has been reported. No clinical diagnostic laboratories have submitted clinical-significance assessments for this variant to ClinVar after 2014. Based on the evidence outlined above, the variant was classified as pathogenic.

Literature cited by the submitters: PubMed 20718790.